The following is an entry in ClinVar:

NM_000064.4(C3):c.3691G>C (p.Glu1231Gln)

Gene: C3 (complement C3; minus strand). Cytogenetic location: 19p13.3.
Variant type: single nucleotide variant.
Coding change: c.3691G>C on transcript NM_000064.4 (MANE Select); coding-DNA position 3691, G replaced by C.
Protein change: p.Glu1231Gln; replaces glutamic acid 1231 with glutamine.
Molecular consequence: missense variant.
Genome position (GRCh38, 1-based): chr19:6,686,243, C>G on the plus strand (G>C on the coding strand, the complement: C3 is on the minus strand). VCF-style: chr19-6686243-C-G. GRCh37 (hg19) VCF-style: chr19-6686254-C-G.
Other names: short protein forms E1231Q.
Identifiers: ClinVar variation 4280226 (VCV004280226.1).

ClinVar aggregate classification (germline): Uncertain significance (1 of 4 stars; one submission).

Conditions:
Complement component 3 deficiency. Identifiers: Orphanet 280133, MedGen C3151071, MONDO:0013417, OMIM 613779.
C3 glomerulonephritis. Also called: Nephropathy due to CFHR5 Deficiency; C3 GLOMERULOPATHY 3. Identifiers: Orphanet 329931, MedGen C4055342, MONDO:0013892, OMIM 614809.
Atypical hemolytic-uremic syndrome. Identifiers: Orphanet 2134, MedGen C2931788, MONDO:0016244.

Submission:

Genomenon, Inc
Classification: Uncertain significance for Complement component 3 deficiency; C3 glomerulonephritis; Atypical hemolytic-uremic syndrome. Last evaluated: 2025-09-30. Review status: criteria provided, single submitter. Criteria: Genomenon Sequence Variant Interpretation Standards. Collection method: curation. Allele origin: germline. Affected: no.
Comment: C3 p.Glu1231Gln (c.3691G>C) is a missense variant that changes the amino acid at residue 1231 from Glutamic acid to Glutamine. This variant has been reported in the published literature (PMID:7868901). It is absent or not present at a significant frequency in gnomAD. In conclusion, we classify C3 p.Glu1231Gln (c.3691G>C) as a variant of unknown significance.

Literature cited by the submitters: PubMed 7868901.